The following is an entry in ClinVar:

NM_020461.4(TUBGCP6):c.4813A>G (p.Arg1605Gly)

Gene: TUBGCP6 (tubulin gamma complex component 6; minus strand). Cytogenetic location: 22q13.33.
Variant type: single nucleotide variant.
Coding change: c.4813A>G on transcript NM_020461.4 (MANE Select); coding-DNA position 4813, A replaced by G.
Protein change: p.Arg1605Gly; replaces arginine 1605 with glycine.
Molecular consequence: missense variant.
Genome position (GRCh38, 1-based): chr22:50,218,711, T>C on the plus strand (A>G on the coding strand, the complement: TUBGCP6 is on the minus strand). VCF-style: chr22-50218711-T-C. GRCh37 (hg19) VCF-style: chr22-50657140-T-C.
Other names: short protein forms R1605G.
Identifiers: ClinVar variation 966680 (VCV000966680.10), dbSNP rs745746422, ClinGen allele CA10307338.

ClinVar aggregate classification (germline): Uncertain significance. Review status: criteria provided, multiple submitters, no conflicts (2 of 4 stars). 2 submissions from 2 submitters: Uncertain significance (2). Last evaluated 2025-08-08.

Conditions:
Inborn genetic diseases. Identifiers: MedGen C0950123, MeSH D030342.

Allele frequency attached by ClinVar (database versions not stated): TOPMed below 0.00001; ExAC 0.00001; gnomAD exomes 0.00001.
gnomAD v4.1: 4 of 1,613,742 alleles (0.00025%); highest among the groups gnomAD compares: Admixed American, 0.0017%; no homozygotes.

Submissions (2):

Ambry Genetics
Classification: Uncertain significance for Inborn genetic diseases. Last evaluated: 2025-08-08. Review status: criteria provided, single submitter. Criteria: Ambry Variant Classification Scheme 2023. Collection method: clinical testing. Allele origin: germline.

Labcorp Genetics (formerly Invitae), Labcorp
Classification: Uncertain significance. Last evaluated: 2022-01-05. Review status: criteria provided, single submitter. Criteria: Invitae Variant Classification Sherloc (09022015). Collection method: clinical testing. Allele origin: germline.
Comment: In summary, the available evidence is currently insufficient to determine the role of this variant in disease. Therefore, it has been classified as a Variant of Uncertain Significance. Algorithms developed to predict the effect of missense changes on protein structure and function are either unavailable or do not agree on the potential impact of this missense change (SIFT: "Deleterious"; PolyPhen-2: "Probably Damaging"; Align-GVGD: "Class C0"). ClinVar contains an entry for this variant (Variation ID: 966680). This variant has not been reported in the literature in individuals affected with TUBGCP6-related conditions. This variant is present in population databases (rs745746422, gnomAD 0.003%). This sequence change replaces arginine, which is basic and polar, with glycine, which is neutral and non-polar, at codon 1605 of the TUBGCP6 protein (p.Arg1605Gly).